The following is an entry in ClinVar:

NM_000038.6(APC):c.311C>A (p.Ser104Ter)

Gene: APC (APC regulator of Wnt signaling pathway; plus strand). Cytogenetic location: 5q22.2.
Variant type: single nucleotide variant.
Coding change: c.311C>A on transcript NM_000038.6 (MANE Select); coding-DNA position 311, C replaced by A.
Protein change: p.Ser104Ter; replaces serine 104 with a stop codon.
Molecular consequence: nonsense. On other transcripts: 5 prime UTR variant (1).
Genome position (GRCh38, 1-based): chr5:112,767,279, C>A. VCF-style: chr5-112767279-C-A. GRCh37 (hg19) VCF-style: chr5-112102976-C-A.
Other names: c.311C>A, p.Ser104Ter (NM_001127510.3, NM_001354895.2, NM_001354896.2 and 2 more transcripts); c.341C>A, p.Ser114Ter (NM_001127511.3, NM_001354897.2, NM_001354902.2); c.236C>A, p.Ser79Ter (NM_001354898.2, NM_001354904.2); c.134C>A, p.Ser45Ter (NM_001354900.2, NM_001354901.2, NM_001354905.2); c.-725C>A (NM_001354906.2); short protein forms S104*, S114*, S45*, S79*.
Identifiers: ClinVar variation 82876 (VCV000082876.3), dbSNP rs74953290, ClinGen allele CA008053.
Genomic context (GRCh38, chr5:112,767,279, plus strand): 5'-GAGTAAAACTGCGGTCAAAAATGTCCCTCCGTTCTTATGGAAGCCGGGAAGGATCTGTAT[C>A]AAGCCGTTCTGGAGAGTGCAGTCCTGTTCCTATGGGTTCATTTCCAAGAAGAGGGTTTGT-3'

ClinVar aggregate classification (germline): Pathogenic. Review status: criteria provided, single submitter (1 of 4 stars). 2 submissions from 2 submitters: Pathogenic (1). 1 of the submissions does not count toward it. Last evaluated 2023-04-25.

Conditions:
Familial adenomatous polyposis 1 (FAP1). Also called: POLYPOSIS, ADENOMATOUS INTESTINAL; FAMILIAL ADENOMATOUS POLYPOSIS 1, ATTENUATED. Identifiers: MedGen C2713442, MONDO:0021056, OMIM 175100. Disease mechanism: loss of function.
Familial colorectal cancer. Identifiers: MedGen CN280943, MONDO:0023113. Disease mechanism: loss of function.

Submissions (2):

Myriad Genetics, Inc.
Classification: Pathogenic for Familial adenomatous polyposis 1. Last evaluated: 2023-04-25. Review status: criteria provided, single submitter. Criteria: Myriad Autosomal Dominant, Autosomal Recessive and X-Linked Classification Criteria (2023). Collection method: clinical testing. Allele origin: unknown.
Comment: This variant is considered pathogenic. This variant creates a termination codon and is predicted to result in premature protein truncation.

Systems Biology Platform Zhejiang California International NanoSystems Institute
Classification: other for Familial colorectal cancer. Review status: no assertion criteria provided. Collection method: not provided. Allele origin: unknown. Not counted in ClinVar's aggregate classification.
ClinVar note: Converted during submission from cancer to other.